The following is an entry in ClinVar:

NM_000535.7(PMS2):c.849T>A (p.Ser283Arg)

Gene: PMS2 (PMS1 homolog 2, mismatch repair system component; minus strand). Cytogenetic location: 7p22.1.
Variant type: single nucleotide variant.
Coding change: c.849T>A on transcript NM_000535.7 (MANE Select); coding-DNA position 849, T replaced by A.
Protein change: p.Ser283Arg; replaces serine 283 with arginine.
Molecular consequence: missense variant. On other transcripts: 5 prime UTR variant (2), non-coding transcript variant (1).
Genome position (GRCh38, 1-based): chr7:5,995,588, A>T on the plus strand (T>A on the coding strand, the complement: PMS2 is on the minus strand). VCF-style: chr7-5995588-A-T. GRCh37 (hg19) VCF-style: chr7-6035219-A-T.
Other names: c.444T>A, p.Ser148Arg (NM_001322003.2, NM_001322004.2, NM_001322005.2 and 2 more transcripts); c.849T>A, p.Ser283Arg (NM_001322006.2, NM_001322014.2); c.531T>A, p.Ser177Arg (NM_001322007.2, NM_001322008.2); c.-85T>A (NM_001322011.2, NM_001322012.2); c.276T>A, p.Ser92Arg (NM_001322013.2); c.540T>A, p.Ser180Arg (NM_001322015.2); short protein forms S283R, S180R, S148R, S177R, S92R.
Identifiers: ClinVar variation 455744 (VCV000455744.16), dbSNP rs1277038817, ClinGen allele CA4150123.

ClinVar aggregate classification (germline): Uncertain significance. Review status: criteria provided, multiple submitters, no conflicts (2 of 4 stars). 6 submissions from 6 submitters: Uncertain significance (6). Last evaluated 2025-12-29.

Conditions:
Hereditary nonpolyposis colorectal neoplasms. Identifiers: MedGen C0009405, MeSH D003123.
Hereditary cancer-predisposing syndrome. Also called: Hereditary Cancer Syndrome; Hereditary neoplastic syndrome; Neoplastic Syndromes, Hereditary; Tumor predisposition. Identifiers: Orphanet 140162, MedGen C0027672, MeSH D009386, MONDO:0015356.

Allele frequency attached by ClinVar (database versions not stated): gnomAD 0.00001; TOPMed 0.00001.
gnomAD v4.1: 2 of 1,613,580 alleles (0.00012%); highest among the groups gnomAD compares: African/African-American, 0.0027%; no homozygotes.

Submissions (6):

Center for Genomic Medicine, Rigshospitalet, Copenhagen University Hospital
Classification: Uncertain significance. Last evaluated: 2025-12-29. Review status: criteria provided, single submitter. Criteria: ACMG Guidelines, 2015. Collection method: clinical testing. Allele origin: germline.
Comment: Classification criteria: PP3_Moderate, PM2_Supporting

Color Diagnostics, LLC DBA Color Health
Classification: Uncertain significance for Hereditary cancer-predisposing syndrome. Last evaluated: 2025-07-03. Review status: criteria provided, single submitter. Criteria: ACMG Guidelines, 2015. Collection method: clinical testing. Allele origin: germline.
Comment: This missense variant replaces serine with arginine at codon 283 of the PMS2 protein. Computational prediction suggests that this variant may have deleterious impact on protein structure and function. To our knowledge, functional studies have not been reported for this variant. This variant has been reported in an individual affected with breast cancer (PMID: 25186627). This variant has been identified in 2/251428 chromosomes in the general population by the Genome Aggregation Database (gnomAD). The available evidence is insufficient to determine the role of this variant in disease conclusively. Therefore, this variant is classified as a Variant of Uncertain Significance.

Labcorp Genetics (formerly Invitae), Labcorp
Classification: Uncertain significance for Hereditary nonpolyposis colorectal neoplasms. Last evaluated: 2025-02-25. Review status: criteria provided, single submitter. Criteria: Invitae Variant Classification Sherloc (09022015). Collection method: clinical testing. Allele origin: germline.
Comment: This sequence change replaces serine, which is neutral and polar, with arginine, which is basic and polar, at codon 283 of the PMS2 protein (p.Ser283Arg). This variant is present in population databases (no rsID available, gnomAD 0.01%). This variant has not been reported in the literature in individuals affected with PMS2-related conditions. ClinVar contains an entry for this variant (Variation ID: 455744). Invitae Evidence Modeling incorporating data from in vitro experimental studies (internal data) indicates that this missense variant is not expected to disrupt PMS2 function with a negative predictive value of 95%. In summary, the available evidence is currently insufficient to determine the role of this variant in disease. Therefore, it has been classified as a Variant of Uncertain Significance.

Ambry Genetics
Classification: Uncertain significance for Hereditary cancer-predisposing syndrome. Last evaluated: 2024-10-27. Review status: criteria provided, single submitter. Criteria: Ambry Variant Classification Scheme 2023. Collection method: clinical testing. Allele origin: germline.
Comment: The p.S283R variant (also known as c.849T>A), located in coding exon 8 of the PMS2 gene, results from a T to A substitution at nucleotide position 849. The serine at codon 283 is replaced by arginine, an amino acid with dissimilar properties. This variant was observed in an individual with early onset-breast cancer amongst a cohort of 1781 non-Ashkenazi Jewish individuals undergoing BRCA1/2 gene testing based on a personal history of breast cancer (Tung N et al. Cancer, 2015 Jan;121:25-33). This amino acid position is highly conserved in available vertebrate species. In addition, the in silico prediction for this alteration is inconclusive. Since supporting evidence is limited at this time, the clinical significance of this alteration remains unclear.

GeneDx
Classification: Uncertain significance. Last evaluated: 2024-02-26. Review status: criteria provided, single submitter. Criteria: GeneDx Variant Classification Process June 2021. Collection method: clinical testing. Allele origin: germline. Affected: yes.
Comment: In silico analysis supports that this missense variant has a deleterious effect on protein structure/function; This variant is associated with the following publications: (PMID: 25980754, 11574484, 25186627)

ARUP Laboratories, Molecular Genetics and Genomics, ARUP Laboratories
Classification: Uncertain significance. Last evaluated: 2023-05-26. Review status: criteria provided, single submitter. Criteria: ARUP Molecular Germline Variant Investigation Process 2024. Collection method: clinical testing. Allele origin: germline.
Comment: The PMS2 c.849T>A; p.Ser283Arg variant (rs1277038817) is reported in the literature in two individuals affected with breast cancer or suspected Lynch syndrome (Tung 2015, Yurgelun 2015). This variant is also reported in ClinVar (Variation ID: 455744) and is only observed on two alleles in the Genome Aggregation Database, indicating it is not a common polymorphism. Computational analyses predict that this variant is deleterious (REVEL: 0.701). Due to limited information, the clinical significance of this variant is uncertain at this time. References: Tung N et al. Frequency of mutations in individuals with breast cancer referred for BRCA1 and BRCA2 testing using next-generation sequencing with a 25-gene panel. Cancer. 2015 Jan 1;121(1):25-33. PMID: 25186627. Yurgelun MB et al. Identification of a Variety of Mutations in Cancer Predisposition Genes in Patients With Suspected Lynch Syndrome. Gastroenterology. 2015 Sep;149(3):604-13.e20. PMID: 25980754.

Literature cited by the submitters: PubMed 25186627 (cited by Color Diagnostics, LLC DBA Color Health and Ambry Genetics).